The following is an entry in ClinVar:

NM_000199.5(SGSH):c.1173_1178del (p.Asn391_Phe392del)

Gene: SGSH (N-sulfoglucosamine sulfohydrolase; minus strand). Cytogenetic location: 17q25.3.
Variant type: Deletion.
Coding change: c.1173_1178del on transcript NM_000199.5 (MANE Select); coding-DNA positions 1173 to 1178, 6 bases deleted (CTTCAA; older notation c.1173_1178delCTTCAA).
Protein change: p.Asn391_Phe392del.
Molecular consequence: inframe deletion. On other transcripts: 3 prime UTR variant (2), non-coding transcript variant (1).
Genome position (GRCh38, 1-based): chr17:80,210,783-80,210,788, TTGAAG deleted on the plus strand (CTTCAA on the coding strand, the reverse complement: SGSH is on the minus strand); deleting any 6 consecutive bases within chr17:80,210,783-80,210,792 gives the same sequence; the c. name uses the placement nearest the transcript's 3' end. VCF-style (leftmost placement, unchanged base first): chr17-80210782-CTTGAAG-C. GRCh37 (hg19) VCF-style: chr17-78184581-CTTGAAG-C.
Other names: c.*260_*265del (NM_001352921.3); c.*223_*228del (NM_001352922.2).
Identifiers: ClinVar variation 1002227 (VCV001002227.8), dbSNP rs2041613993, ClinGen allele CA2277862340.
Genomic context (GRCh38, chr17:80,210,782, plus strand): 5'-GTTCAGGAGGTCCTGGAAGGTGGGTGAGACGTAGAAGTCCTGGTCGATGGGAAAGGGCAT[CTTGAAG>C]TTGAGGTTGTGCACGAGGCGGAAGTGCCGGTGCTGCACGGAGCGCATGGGGTAGGACATG-3'

ClinVar aggregate classification (germline): Uncertain significance. Review status: criteria provided, multiple submitters, no conflicts (2 of 4 stars). 2 submissions from 2 submitters: Uncertain significance (2). Last evaluated 2021-11-07.

Conditions:
Mucopolysaccharidosis, MPS-III-A (MPS3A). Also called: mucopolysaccharidosis type 3A; MPS IIIA (Sanfilippo Syndrome Type A); HEPARAN SULFATE SULFATASE DEFICIENCY; MUCOPOLYSACCHARIDOSIS, TYPE IIIA, ATTENUATED; Mucopolysaccharidosis type IIIA (Sanfilippo A); Mucopolysaccharidosis, type IIIA. Identifiers: Orphanet 581, Orphanet 79269, MedGen C0086647, MONDO:0009655, OMIM 252900.

Submissions (2):

Genome-Nilou Lab
Classification: Uncertain significance for Mucopolysaccharidosis, MPS-III-A. Last evaluated: 2021-11-07. Review status: criteria provided, single submitter. Criteria: ACMG Guidelines, 2015. Collection method: clinical testing. Allele origin: germline. Affected: no.

Labcorp Genetics (formerly Invitae), Labcorp
Classification: Uncertain significance for Mucopolysaccharidosis, MPS-III-A. Last evaluated: 2021-08-13. Review status: criteria provided, single submitter. Criteria: Invitae Variant Classification Sherloc (09022015). Collection method: clinical testing. Allele origin: germline.
Comment: This variant, c.1173_1178del, results in the deletion of 2 amino acid(s) of the SGSH protein (p.Asn391_Phe392del), but otherwise preserves the integrity of the reading frame. This variant is not present in population databases (ExAC no frequency). This variant has been observed in individual(s) with Sanfilippo syndrome (PMID: 11668611; Invitae). In at least one individual the data is consistent with the variant being in trans (on the opposite chromosome) from a pathogenic variant. This variant is also known as c.1172_1177delATCTCA. Experimental studies and prediction algorithms are not available or were not evaluated, and the functional significance of this variant is currently unknown. In summary, the available evidence is currently insufficient to determine the role of this variant in disease. Therefore, it has been classified as a Variant of Uncertain Significance.

Literature cited by the submitters: PubMed 11668611 (cited by Labcorp Genetics (formerly Invitae), Labcorp).